The following is an entry in ClinVar:

ClinVar aggregate classification (germline): Likely benign. Review status: criteria provided, multiple submitters, no conflicts (2 of 4 stars). 2 submissions from 2 submitters: Likely benign (2). Last evaluated 2025-07-29.

Allele frequency attached by ClinVar (database versions not stated): gnomAD exomes 0.00001; gnomAD 0.00001; TOPMed 0.00002; ExAC 0.00001.
gnomAD v4.1: 11 of 1,613,580 alleles (0.00068%); highest among the groups gnomAD compares: Non-Finnish European, 0.00093%; no homozygotes.

Submissions (2):

Labcorp Genetics (formerly Invitae), Labcorp
Classification: Likely benign. Last evaluated: 2025-07-29. Review status: criteria provided, single submitter. Criteria: Invitae Variant Classification Sherloc (09022015). Collection method: clinical testing. Allele origin: germline.

GeneDx
Classification: Likely benign. Last evaluated: 2018-04-04. Review status: criteria provided, single submitter. Criteria: GeneDx Variant Classification (06012015). Collection method: clinical testing. Allele origin: germline. Affected: yes.
Comment: This variant is considered likely benign or benign based on one or more of the following criteria: it is a conservative change, it occurs at a poorly conserved position in the protein, it is predicted to be benign by multiple in silico algorithms, and/or has population frequency not consistent with disease.

NM_001851.6(COL9A1):c.1666-18T>C

Gene: COL9A1 (collagen type IX alpha 1 chain; minus strand). Cytogenetic location: 6q13.
Variant type: single nucleotide variant.
Coding change: c.1666-18T>C on transcript NM_001851.6 (MANE Select); 18 bases into the intron before coding-DNA position 1666, T replaced by C.
Molecular consequence: intron variant.
Genome position (GRCh38, 1-based): chr6:70,254,547, A>G on the plus strand (T>C on the coding strand, the complement: COL9A1 is on the minus strand). VCF-style: chr6-70254547-A-G. GRCh37 (hg19) VCF-style: chr6-70964250-A-G.
Other names: c.937-18T>C (NM_001377290.1, NM_078485.4); c.967-18T>C (NM_001377289.1).
Identifiers: ClinVar variation 681495 (VCV000681495.8), dbSNP rs752952751, ClinGen allele CA3882073.